The following is an entry in ClinVar:

NM_004168.4(SDHA):c.1453A>C (p.Lys485Gln)

Gene: SDHA (succinate dehydrogenase complex flavoprotein subunit A; plus strand). Cytogenetic location: 5p15.33.
Variant type: single nucleotide variant.
Coding change: c.1453A>C on transcript NM_004168.4 (MANE Select); coding-DNA position 1453, A replaced by C.
Protein change: p.Lys485Gln; replaces lysine 485 with glutamine.
Molecular consequence: missense variant.
Genome position (GRCh38, 1-based): chr5:240,378, A>C. VCF-style: chr5-240378-A-C. GRCh37 (hg19) VCF-style: chr5-240493-A-C.
Other names: c.1309A>C, p.Lys437Gln (NM_001294332.2); c.1453A>C, p.Lys485Gln (NM_001330758.2); short protein forms K485Q, K437Q.
Identifiers: ClinVar variation 2195264 (VCV002195264.4), dbSNP rs1736062209, ClinGen allele CA359014197.

ClinVar aggregate classification (germline): Uncertain significance (1 of 4 stars; one submission).

Conditions:
Mitochondrial complex II deficiency, nuclear type 1. Also called: SUCCINATE CoQ REDUCTASE DEFICIENCY. Identifiers: Orphanet 3208, MedGen C5700310, MONDO:0100294, OMIM 252011.
Pheochromocytoma/paraganglioma syndrome 5. Also called: Paragangliomas 5; SDHA-Related Hereditary Paraganglioma-Pheochromocytoma Syndrome. Identifiers: Orphanet 29072, MedGen C3279992, MONDO:0013602, OMIM 614165.

Submission:

Labcorp Genetics (formerly Invitae), Labcorp
Classification: Uncertain significance for Pheochromocytoma/paraganglioma syndrome 5; Mitochondrial complex II deficiency, nuclear type 1. Last evaluated: 2024-08-14. Review status: criteria provided, single submitter. Criteria: Invitae Variant Classification Sherloc (09022015). Collection method: clinical testing. Allele origin: germline.
Comment: This sequence change replaces lysine, which is basic and polar, with glutamine, which is neutral and polar, at codon 485 of the SDHA protein (p.Lys485Gln). This variant is not present in population databases (gnomAD no frequency). This variant has not been reported in the literature in individuals affected with SDHA-related conditions. ClinVar contains an entry for this variant (Variation ID: 2195264). Invitae Evidence Modeling of protein sequence and biophysical properties (such as structural, functional, and spatial information, amino acid conservation, physicochemical variation, residue mobility, and thermodynamic stability) indicates that this missense variant is not expected to disrupt SDHA protein function with a negative predictive value of 95%. In summary, the available evidence is currently insufficient to determine the role of this variant in disease. Therefore, it has been classified as a Variant of Uncertain Significance.